The following is an entry in ClinVar:

NM_001267550.2(TTN):c.88595-3T>G

Genes: TTN (titin; minus strand), TTN-AS1 (TTN antisense RNA 1; plus strand). Cytogenetic location: 2q31.2.
Variant type: single nucleotide variant.
Coding change: c.88595-3T>G on transcript NM_001267550.2 (MANE Select); 3 bases into the intron before coding-DNA position 88595, T replaced by G.
Molecular consequence: intron variant.
Genome position (GRCh38, 1-based): chr2:178,554,755, A>C on the plus strand (T>G on the coding strand, the complement: TTN is on the minus strand). VCF-style: chr2-178554755-A-C. GRCh37 (hg19) VCF-style: chr2-179419482-A-C.
Other names: c.61400-3T>G (NM_003319.4); c.61976-3T>G (NM_133437.4); c.61775-3T>G (NM_133432.3); c.80891-3T>G (NM_133378.4); c.83672-3T>G (NM_001256850.1).
Identifiers: ClinVar variation 4086612 (VCV004086612.1).

ClinVar aggregate classification (germline): Uncertain significance (1 of 4 stars; one submission).

Submission:

GeneDx
Classification: Uncertain significance. Last evaluated: 2025-03-17. Review status: criteria provided, single submitter. Criteria: GeneDx Variant Classification Process June 2021. Collection method: clinical testing. Allele origin: germline. Affected: yes.
Comment: Not observed at significant frequency in large population cohorts (gnomAD); In silico analysis supports a deleterious effect on splicing; Has not been previously published as pathogenic or benign to our knowledge